The following is an entry in ClinVar:

NM_004933.3(CDH15):c.1665C>T (p.His555=)

Gene: CDH15 (cadherin 15; plus strand). Cytogenetic location: 16q24.3.
Variant type: single nucleotide variant.
Coding change: c.1665C>T on transcript NM_004933.3 (MANE Select); coding-DNA position 1665, C replaced by T.
Protein change: p.His555=; no amino-acid change (histidine 555 retained).
Molecular consequence: synonymous variant.
Genome position (GRCh38, 1-based): chr16:89,192,254, C>T. VCF-style: chr16-89192254-C-T. GRCh37 (hg19) VCF-style: chr16-89258662-C-T.
Identifiers: ClinVar variation 3042731 (VCV003042731.2), dbSNP rs879802247, ClinGen allele CA497149114.
Genomic context (GRCh38, chr16:89,192,254, plus strand): 5'-GCCCTCCGCAGTGAGCCACGCGCGCCTGCGGCCGCGACACCAGGTCCCCGAAGGCCTGCA[C>T]CGCCTCAGCCTGCTGCTCCGGGACTCGGGGCAGCCGCCCCAGCAGCGCGAGCAGCCTCTG-3'
Protein context (NP_004924.1, residues 545-565): RPRHQVPEGL[His555=]RLSLLLRDSG

ClinVar aggregate classification (germline): Likely benign (0 of 4 stars; one submission).

Conditions:
CDH15-related disorder. Also called: CDH15-related condition.

gnomAD v4.1: 2 of 1,530,340 alleles (0.00013%); highest among the groups gnomAD compares: Middle Eastern, 0.023%; no homozygotes.

Submission:

PreventionGenetics, part of Exact Sciences
Classification: Likely benign for CDH15-related condition. Last evaluated: 2019-07-12. Review status: no assertion criteria provided. Collection method: clinical testing. Allele origin: germline.
Comment: This variant is classified as likely benign based on ACMG/AMP sequence variant interpretation guidelines (Richards et al. 2015 PMID: 25741868, with internal and published modifications).